The following is an entry in ClinVar:

NM_001942.4(DSG1):c.1157G>A (p.Arg386His)

Gene: DSG1 (desmoglein 1; plus strand). Cytogenetic location: 18q12.1.
Variant type: single nucleotide variant.
Coding change: c.1157G>A on transcript NM_001942.4 (MANE Select); coding-DNA position 1157, G replaced by A.
Protein change: p.Arg386His; replaces arginine 386 with histidine.
Molecular consequence: missense variant.
Genome position (GRCh38, 1-based): chr18:31,336,505, G>A. VCF-style: chr18-31336505-G-A. GRCh37 (hg19) VCF-style: chr18-28916468-G-A.
Other names: c.1157G>A (NM_001942.2); short protein forms R386H.
Identifiers: ClinVar variation 1384656 (VCV001384656.10), dbSNP rs557916314, ClinGen allele CA8926027.

ClinVar aggregate classification (germline): Uncertain significance. Review status: criteria provided, multiple submitters, no conflicts (2 of 4 stars). 2 submissions from 2 submitters: Uncertain significance (2). Last evaluated 2025-12-01.

Conditions:
Inborn genetic diseases. Identifiers: MedGen C0950123, MeSH D030342.

Allele frequency attached by ClinVar (database versions not stated): gnomAD 0.00001 and 0.00002; TOPMed 0.00002; gnomAD exomes 0.00003; ExAC 0.00005; 1000 Genomes Project 30x 0.00016; 1000 Genomes Project 0.00020.
gnomAD v4.1: 27 of 1,613,954 alleles (0.0017%); highest among the groups gnomAD compares: East Asian, 0.0067%; no homozygotes.

Submissions (2):

Labcorp Genetics (formerly Invitae), Labcorp
Classification: Uncertain significance. Last evaluated: 2025-12-01. Review status: criteria provided, single submitter. Criteria: Invitae Variant Classification Sherloc (09022015). Collection method: clinical testing. Allele origin: germline.
Comment: This sequence change replaces arginine, which is basic and polar, with histidine, which is basic and polar, at codon 386 of the DSG1 protein (p.Arg386His). This variant is present in population databases (rs557916314, gnomAD 0.03%). This variant has not been reported in the literature in individuals affected with DSG1-related conditions. ClinVar contains an entry for this variant (Variation ID: 1384656). Invitae Evidence Modeling of protein sequence and biophysical properties (such as structural, functional, and spatial information, amino acid conservation, physicochemical variation, residue mobility, and thermodynamic stability) indicates that this missense variant is not expected to disrupt DSG1 protein function with a negative predictive value of 80%. In summary, the available evidence is currently insufficient to determine the role of this variant in disease. Therefore, it has been classified as a Variant of Uncertain Significance.

Ambry Genetics
Classification: Uncertain significance for Inborn genetic diseases. Last evaluated: 2025-01-26. Review status: criteria provided, single submitter. Criteria: Ambry Variant Classification Scheme 2023. Collection method: clinical testing. Allele origin: germline.